The following is an entry in ClinVar:

ClinVar aggregate classification (germline): Uncertain significance (1 of 4 stars; one submission).

Submission:

Labcorp Genetics (formerly Invitae), Labcorp
Classification: Uncertain significance. Last evaluated: 2022-03-20. Review status: criteria provided, single submitter. Criteria: Invitae Variant Classification Sherloc (09022015). Collection method: clinical testing. Allele origin: germline.
Comment: This sequence change replaces leucine, which is neutral and non-polar, with proline, which is neutral and non-polar, at codon 328 of the PCARE protein (p.Leu328Pro). This variant is not present in population databases (gnomAD no frequency). This missense change has been observed in individual(s) with retinitis pigmentosa (Invitae). Algorithms developed to predict the effect of missense changes on protein structure and function (SIFT, PolyPhen-2, Align-GVGD) all suggest that this variant is likely to be disruptive. In summary, the available evidence is currently insufficient to determine the role of this variant in disease. Therefore, it has been classified as a Variant of Uncertain Significance.

NM_001029883.3(PCARE):c.983T>C (p.Leu328Pro)

Gene: PCARE (photoreceptor cilium actin regulator; minus strand). Cytogenetic location: 2p23.2.
Variant type: single nucleotide variant.
Coding change: c.983T>C on transcript NM_001029883.3 (MANE Select); coding-DNA position 983, T replaced by C.
Protein change: p.Leu328Pro; replaces leucine 328 with proline.
Molecular consequence: missense variant.
Genome position (GRCh38, 1-based): chr2:29,073,279, A>G on the plus strand (T>C on the coding strand, the complement: PCARE is on the minus strand). VCF-style: chr2-29073279-A-G. GRCh37 (hg19) VCF-style: chr2-29296145-A-G.
Other names: short protein forms L328P.
Identifiers: ClinVar variation 2115335 (VCV002115335.4), dbSNP rs2465278689, ClinGen allele CA346481149.